The following is an entry in ClinVar:

NM_004385.5(VCAN):c.7893A>T (p.Leu2631Phe)

Genes: VCAN (versican; plus strand), VCAN-AS1 (VCAN antisense RNA 1; minus strand). Cytogenetic location: 5q14.3.
Variant type: single nucleotide variant.
Coding change: c.7893A>T on transcript NM_004385.5 (MANE Select); coding-DNA position 7893, A replaced by T.
Protein change: p.Leu2631Phe; replaces leucine 2631 with phenylalanine.
Molecular consequence: missense variant. On other transcripts: intron variant (2).
Genome position (GRCh38, 1-based): chr5:83,540,896, A>T. VCF-style: chr5-83540896-A-T. GRCh37 (hg19) VCF-style: chr5-82836715-A-T.
Other names: c.4932A>T, p.Leu1644Phe (NM_001164097.2); c.4004-4641A>T (NM_001164098.2); c.1043-4641A>T (NM_001126336.3); short protein forms L1644F, L2631F.
Identifiers: ClinVar variation 852760 (VCV000852760.13), dbSNP rs148063549, ClinGen allele CA3333708.

ClinVar aggregate classification (germline): Conflicting classifications of pathogenicity. Review status: criteria provided, conflicting classifications (1 of 4 stars). 5 submissions from 4 submitters: Uncertain significance (2); Likely benign (3). Last evaluated 2026-01-21.

Conditions:
Inborn genetic diseases. Identifiers: MedGen C0950123, MeSH D030342.
Vitreoretinopathy. Also called: Vitreoretinal degeneration. Identifiers: MedGen C0344290, MONDO:0020248, HP:0007773.
Wagner disease. Also called: HYALOIDEORETINAL DEGENERATION OF WAGNER; WAGNER VITREORETINOPATHY; WAGNER VITREORETINAL DEGENERATION; WAGNER SYNDROME 1; Wagner syndrome; Wagner Vitreoretinal Degeneration (Wagner Synrdome). Identifiers: Orphanet 898, MedGen C1840452, MONDO:0007740, OMIM 143200.

Allele frequency attached by ClinVar (database versions not stated): ExAC 0.00005; gnomAD exomes 0.00010 and 0.00027; TOPMed 0.00015; gnomAD 0.00019; ESP Exome Variant Server 0.00023.
gnomAD v4.1: 422 of 1,613,906 alleles (0.026%); highest among the groups gnomAD compares: Non-Finnish European, 0.034%; no homozygotes.

Submissions (5):

Labcorp Genetics (formerly Invitae), Labcorp
Classification: Uncertain significance. Last evaluated: 2026-01-21. Review status: criteria provided, single submitter. Criteria: Invitae Variant Classification Sherloc (09022015). Collection method: clinical testing. Allele origin: germline.
Comment: This sequence change replaces leucine, which is neutral and non-polar, with phenylalanine, which is neutral and non-polar, at codon 2631 of the VCAN protein (p.Leu2631Phe). This variant is present in population databases (rs148063549, gnomAD 0.02%). This variant has not been reported in the literature in individuals affected with VCAN-related conditions. ClinVar contains an entry for this variant (Variation ID: 852760). An algorithm developed to predict the effect of missense changes on protein structure and function outputs the following: PolyPhen-2: "Benign". The phenylalanine amino acid residue is found in multiple mammalian species, which suggests that this missense change does not adversely affect protein function. In summary, the available evidence is currently insufficient to determine the role of this variant in disease. Therefore, it has been classified as a Variant of Uncertain Significance.

Ambry Genetics
Classification: Uncertain significance for Inborn genetic diseases. Last evaluated: 2024-03-19. Review status: criteria provided, single submitter. Criteria: Ambry Variant Classification Scheme 2023. Collection method: clinical testing. Allele origin: germline.

Blueprint Genetics
Classification: Likely benign. Last evaluated: 2024-03-13. Review status: criteria provided, single submitter. Criteria: ACMG Guidelines, 2015. Collection method: clinical testing. Allele origin: germline.

Illumina Laboratory Services, Illumina
Classification: Likely benign for Wagner disease. Last evaluated: 2018-01-12. Review status: criteria provided, single submitter. Criteria: ICSL Variant Classification Criteria 13 December 2019. Collection method: clinical testing. Allele origin: germline.
Comment: This variant was observed in the ICSL laboratory as part of a predisposition screen in an ostensibly healthy population. It had not been previously curated by ICSL or reported in the Human Gene Mutation Database (HGMD: prior to June 1st, 2018), and was therefore a candidate for classification through an automated scoring system. Utilizing variant allele frequency, disease prevalence and penetrance estimates, and inheritance mode, an automated score was calculated to assess if this variant is too frequent to cause the disease. Based on the score and internal cut-off values, a variant classified as likely benign is not then subjected to further curation. The score for this variant resulted in a classification of likely benign for this disease.

Illumina Laboratory Services, Illumina
Classification: Likely benign for Vitreoretinopathy. Last evaluated: 2018-01-12. Review status: criteria provided, single submitter. Criteria: ICSL Variant Classification Criteria 13 December 2019. Collection method: clinical testing. Allele origin: germline.
Comment: the same text as in the submission from Illumina Laboratory Services, Illumina above.